The following is an entry in ClinVar:

ClinVar aggregate classification (germline): Pathogenic. Review status: criteria provided, multiple submitters, no conflicts (2 of 4 stars). 25 submissions from 25 submitters: Pathogenic (19). 6 of the submissions do not count toward it. Last evaluated 2026-09-28.

Conditions:
Obesity due to melanocortin 4 receptor deficiency. Identifiers: Orphanet 71529, MedGen C4273958, MONDO:0019115.
BODY MASS INDEX QUANTITATIVE TRAIT LOCUS 20 (BMIQ20). Also called: MELANOCORTIN 4 RECEPTOR DEFICIENCY; MC4R DEFICIENCY. Identifiers: MedGen C4759928, OMIM 618406.
Schizophrenia (SCZD). Identifiers: MedGen C0036341, MeSH D012559, MONDO:0005090, OMIM 181500, HP:0100753.
Obesity. Also called: Obesity disorder. Identifiers: Orphanet 71529, MedGen C0028754, MeSH D009765, MONDO:0011122, HP:0001513.
Early onset severe obesity. Identifiers: MedGen C4013980.

Allele frequency attached by ClinVar (database versions not stated): ExAC 0.00005; gnomAD exomes 0.00006 and 0.00007; gnomAD 0.00012 and 0.00013; TOPMed 0.00008.
gnomAD v4.1: 108 of 1,614,092 alleles (0.0067%); highest among the groups gnomAD compares: Non-Finnish European, 0.0086%; no homozygotes.

Submissions 1 to 12 of 25:

GeneDx
Classification: Pathogenic. Last evaluated: 2026-09-28. Review status: criteria provided, single submitter. Criteria: GeneDx Variant Classification Process June 2021. Collection method: clinical testing. Allele origin: germline.
Comment: Reported multiple times in association with obesity (PMID: 10199800, 12970296, 15486053, 16507637, 18559663); Published functional studies demonstrate that Y35X leads to impaired cAMP responses and absent binding of NDP-alphaMSH (PMID: 12970296, 15486053); Nonsense variant predicted to result in protein truncation, as the last 298 amino acid(s) are lost, and other loss-of-function variants have been reported downstream in HGMD; This variant is associated with the following publications: (PMID: 19091795, 16752916, 18559663, 16507637, 15486053, 29273807, 29970488, 31447099, 10577903, 19301229, 20966905, 12646665, 18801902, 16616374, 16274851, 36325899, 34083135, 10199800, 12970296, 37601970, 39096151, 40133257)

Greenwood Genetic Center Diagnostic Laboratories, Greenwood Genetic Center
Classification: Pathogenic for BODY MASS INDEX QUANTITATIVE TRAIT LOCUS 20. Last evaluated: 2026-06-01. Review status: criteria provided, single submitter. Criteria: ACMG Guidelines, 2015. Collection method: clinical testing. Allele origin: germline. Affected: yes.
Comment: PVS1, PS3

Variantyx, Inc.
Classification: Pathogenic for BODY MASS INDEX QUANTITATIVE TRAIT LOCUS 20. Last evaluated: 2025-09-11. Review status: criteria provided, single submitter. Criteria: Variantyx Assertion Criteria 2022. Collection method: clinical testing. Allele origin: germline. Inheritance: Semidominant inheritance. Affected: yes.
Comment: This is a nonsense variant in the MC4R gene (OMIM: 155541). Pathogenic variants in this gene have been associated with autosomal semidominant obesity. This variant introduces a premature termination codon in exon 1 out of 1 and is expected to result in loss of function, which is a known disease mechanism for MC4R in this disorder (PMID: 15486053, 34045736, 12646665) (PVS1). This is an established founder variant in the European (non-Finnish) population (PMID: 29970488, 15486053) (PS4). This variant has a 0.0086% maximum allele frequency in non-founder control populations. Based on the current evidence, this variant is classified as pathogenic for autosomal semidominant obesity.

Clinical Genomics Laboratory, Washington University in St. Louis
Classification: Pathogenic for BODY MASS INDEX QUANTITATIVE TRAIT LOCUS 20. Last evaluated: 2025-08-31. Review status: criteria provided, single submitter. Criteria: ACMG Guidelines, 2015. Collection method: clinical testing. Allele origin: germline. Affected: yes.
Comment: The MC4R c.105C>A (p.Tyr35*) variant, either alone or as part of a haplotype (p.Tyr35*; p.Asp37Val), has been reported in several individuals affected by obesity (Calton MA et al., PMID: 19091795; Kleinendorst L et al., PMID: 29970488; Larsen LH et al., PMID: 15486053; Lubrano-Berthelier C et al., PMID: 16507637; Stutzmann F et al., PMID: 18559663; Van den Berg L et al., PMID: 20966905; Xiang Z et al., PMID: 16752916). An effect size study showed that carriers of this variant weigh approximately 7 kg more than non-carriers (Turcot V et al., PMID: 29273807). This variant has also been reported to segregate with disease in six individuals from the same family (Sina M et al., PMID: 10577903). This variant has been reported in the ClinVar database as a germline pathogenic variant by 18 submitters and as a variant of uncertain significance by one submitter. The highest minor allele frequency reported in the Genome Aggregation Database (v4.1.0) is 0.0086% in the European (non-Finnish) population. This variant leads to a premature termination codon; however, because MC4R is a single-exon gene, it is not predicted to undergo nonsense-mediated decay. Functional studies demonstrate that the variant results in markedly reduced expression of the receptor protein at the cell surface and decreased basal activity (<10%) compared to wild-type in HEK-293 cells, indicating impaired protein function (Hinney A et al., PMID: 12970296; Lubrano-Berthelier C et al., PMID: 16507637; Xiang Z et al., PMID: 16752916). Based on the available evidence and ACMG/AMP guidelines for variant interpretation (Richards S et al., PMID: 25741868), this variant is classified as pathogenic.

Cambridge Genomics Laboratory, East Genomic Laboratory Hub, NHS Genomic Medicine Service
Classification: Pathogenic for Severe early-onset obesity. Last evaluated: 2025-03-18. Review status: criteria provided, single submitter. Criteria: ACGS Best Practice Guidelines for Variant Classification in Rare Disease 2020. Collection method: clinical testing. Allele origin: germline. Affected: yes.
Comment: The nonsense variant c.105C>A p.(Tyr35*) in the MC4R gene leads to premature termination during translation and causes loss of normal protein function due to protein truncation. In vitro functional studies show that this variant has a deleterious effect on the gene product (Hinney et al. 2003, J Clin Endocrinol Metab 88:4258; Larsen et al. 2005, J Clin Endocrinol Metab 90:219; Calton et al. 2009, Hum Mol Genet 18:1140). The variant reported in several obese individuals (Larsen et al. 2005, J Clin Endocrinol Metab. 90:219; Kleinendorst et al. 2018, J Med Genet 55:578). The patient's phenotype is highly specific for a disease caused by variants in this gene as well.

Labcorp Genetics (formerly Invitae), Labcorp
Classification: Pathogenic. Last evaluated: 2025-02-04. Review status: criteria provided, single submitter. Criteria: Invitae Variant Classification Sherloc (09022015). Collection method: clinical testing. Allele origin: germline.
Comment: This sequence change creates a premature translational stop signal (p.Tyr35*) in the MC4R gene. While this is not anticipated to result in nonsense mediated decay, it is expected to disrupt the last 298 amino acid(s) of the MC4R protein. This variant is present in population databases (rs13447324, gnomAD 0.02%). This premature translational stop signal has been observed in individual(s) with clinical features consistent with MC4R-related obesity (PMID: 10199800, 12970296, 15486053, 29970488). ClinVar contains an entry for this variant (Variation ID: 14318). Algorithms developed to predict the effect of variants on gene product structure and function are not available or were not evaluated for this variant. Experimental studies have shown that this premature translational stop signal affects MC4R function (PMID: 12970296, 16507637, 16752916). This variant disrupts a region of the MC4R protein in which other variant(s) (p.Ile301Thr) have been determined to be pathogenic (PMID: 10903341, 12690102, 16507637, 16752916, 18559663). This suggests that this is a clinically significant region of the protein, and that variants that disrupt it are likely to be disease-causing. For these reasons, this variant has been classified as Pathogenic.

Institute of Human Genetics Munich, TUM University Hospital
Classification: Pathogenic for BODY MASS INDEX QUANTITATIVE TRAIT LOCUS 20. Last evaluated: 2024-12-18. Review status: criteria provided, single submitter. Criteria: Classification criteria August 2017. Collection method: clinical testing. Allele origin: paternal. Inheritance: Autosomal dominant inheritance. Affected: yes. Observed: 1 variant allele.

Institute of Immunology and Genetics Kaiserslautern
Classification: Pathogenic for BODY MASS INDEX QUANTITATIVE TRAIT LOCUS 20. Last evaluated: 2024-09-18. Review status: criteria provided, single submitter. Criteria: ACMG Guidelines, 2015. Collection method: clinical testing. Allele origin: germline. Affected: yes.
Comment: ACMG Criteria: PVS1, PM2_P, PS3, PP5; Variant was found in a heterozygous state

Centre of Medical Genetics, University Hospital Muenster
Classification: Pathogenic. Last evaluated: 2024-09-12. Review status: criteria provided, single submitter. Criteria: ACMG Guidelines, 2015. Collection method: clinical testing. Allele origin: unknown. Affected: yes. Observed: 1 variant allele.
Comment: ACMG categories: PVS1,PS3,PS4,PM2_sup

Clinical Genetics Laboratory, Skane University Hospital Lund
Classification: Pathogenic. Last evaluated: 2022-07-18. Review status: criteria provided, single submitter. Criteria: ACMG Guidelines, 2015. Collection method: clinical testing. Allele origin: germline. Affected: yes.

Revvity Omics, Revvity
Classification: Pathogenic for BODY MASS INDEX QUANTITATIVE TRAIT LOCUS 20. Last evaluated: 2021-12-27. Review status: criteria provided, single submitter. Criteria: ACMG Guidelines, 2015. Collection method: clinical testing. Allele origin: germline.

Fulgent Genetics
Classification: Pathogenic for BODY MASS INDEX QUANTITATIVE TRAIT LOCUS 20. Last evaluated: 2021-11-29. Review status: criteria provided, single submitter. Criteria: ACMG Guidelines, 2015. Collection method: clinical testing. Allele origin: unknown.

NM_005912.2(MC4R):c.105C>A (p.Tyr35Ter)

Gene: MC4R (melanocortin 4 receptor; minus strand). Cytogenetic location: 18q21.32.
Variant type: single nucleotide variant.
Coding change: c.105C>A on transcript NM_005912.2; coding-DNA position 105, C replaced by A.
Protein change: p.Tyr35Ter; replaces tyrosine 35 with a stop codon.
Molecular consequence: nonsense (on NM_005912.3).
Genome position (GRCh38, 1-based): chr18:60,372,245, G>T on the plus strand (C>A on the coding strand, the complement: MC4R is on the minus strand). VCF-style: chr18-60372245-G-T. GRCh37 (hg19) VCF-style: chr18-58039478-G-T.
Other names: c.105C>A, p.Tyr35Ter (NM_005912.3); short protein forms Y35*.
Identifiers: ClinVar variation 14318 (VCV000014318.43), dbSNP rs13447324, ClinGen allele CA214751.